The following is an entry in ClinVar:

ClinVar aggregate classification (germline): Uncertain significance. Review status: criteria provided, multiple submitters, no conflicts (2 of 4 stars). 2 submissions from 2 submitters: Uncertain significance (2). Last evaluated 2025-10-18.

gnomAD v4.1: 3 of 1,614,156 alleles (0.00019%); highest among the groups gnomAD compares: Non-Finnish European, 0.00017%; no homozygotes.

Submissions (2):

Ambry Genetics
Classification: Uncertain significance. Last evaluated: 2025-10-18. Review status: criteria provided, single submitter. Criteria: Ambry Variant Classification Scheme 2023. Collection method: clinical testing. Allele origin: germline.

Labcorp Genetics (formerly Invitae), Labcorp
Classification: Uncertain significance. Last evaluated: 2025-02-27. Review status: criteria provided, single submitter. Criteria: Invitae Variant Classification Sherloc (09022015). Collection method: clinical testing. Allele origin: germline.
Comment: This sequence change replaces proline, which is neutral and non-polar, with leucine, which is neutral and non-polar, at codon 104 of the KANK1 protein (p.Pro104Leu). This variant is present in population databases (no rsID available, gnomAD 0.0009%). This variant has not been reported in the literature in individuals affected with KANK1-related conditions. An algorithm developed to predict the effect of missense changes on protein structure and function (PolyPhen-2) suggests that this variant is likely to be disruptive. In summary, the available evidence is currently insufficient to determine the role of this variant in disease. Therefore, it has been classified as a Variant of Uncertain Significance.

NM_015158.5(KANK1):c.311C>T (p.Pro104Leu)

Gene: KANK1 (KN motif and ankyrin repeat domains 1; plus strand). Cytogenetic location: 9p24.3.
Variant type: single nucleotide variant.
Coding change: c.311C>T on transcript NM_015158.5 (MANE Select); coding-DNA position 311, C replaced by T.
Protein change: p.Pro104Leu; replaces proline 104 with leucine.
Molecular consequence: missense variant. On other transcripts: 5 prime UTR variant (12), non-coding transcript variant (1).
Genome position (GRCh38, 1-based): chr9:711,077, C>T. VCF-style: chr9-711077-C-T. GRCh37 (hg19) VCF-style: chr9-711077-C-T.
Other names: c.311C>T (NM_015158.2); c.311C>T, p.Pro104Leu (NM_001256876.3, NM_001256877.3, NM_001354331.2 and 2 more transcripts); c.-164C>T (NM_153186.6, NM_001354333.2, NM_001354335.2 and 9 more transcripts); short protein forms P104L.
Identifiers: ClinVar variation 3687904 (VCV003687904.3).